The following is an entry in ClinVar:

ClinVar aggregate classification (germline): Uncertain significance (1 of 4 stars; one submission).

Conditions:
Inborn genetic diseases. Identifiers: MedGen C0950123, MeSH D030342.

gnomAD v4.1: 11 of 1,614,154 alleles (0.00068%); highest among the groups gnomAD compares: Middle Eastern, 0.066%; no homozygotes.

Submission:

Ambry Genetics
Classification: Uncertain significance for Inborn genetic diseases. Last evaluated: 2025-05-02. Review status: criteria provided, single submitter. Criteria: Ambry Variant Classification Scheme 2023. Collection method: clinical testing. Allele origin: germline.
Comment: The p.P139T variant (also known as c.415C>A), located in coding exon 3 of the ANKRD26 gene, results from a C to A substitution at nucleotide position 415. The proline at codon 139 is replaced by threonine, an amino acid with highly similar properties. This amino acid position is conserved. In addition, this alteration is predicted to be tolerated by in silico analysis. Based on the available evidence, the clinical significance of this variant remains unclear.

NM_014915.3(ANKRD26):c.415C>A (p.Pro139Thr)

Gene: ANKRD26 (ankyrin repeat domain containing 26; minus strand). Cytogenetic location: 10p12.1.
Variant type: single nucleotide variant.
Coding change: c.415C>A on transcript NM_014915.3 (MANE Select); coding-DNA position 415, C replaced by A.
Protein change: p.Pro139Thr; replaces proline 139 with threonine.
Molecular consequence: missense variant.
Genome position (GRCh38, 1-based): chr10:27,093,465, G>T on the plus strand (C>A on the coding strand, the complement: ANKRD26 is on the minus strand). VCF-style: chr10-27093465-G-T. GRCh37 (hg19) VCF-style: chr10-27382394-G-T.
Other names: c.415C>A, p.Pro139Thr (NM_001256053.2); short protein forms P139T.
Identifiers: ClinVar variation 3914052 (VCV003914052.1).
Genomic context (GRCh38, chr10:27,093,465, plus strand): 5'-TGTCCTCATTATAGACAGCATAGTGAAGAGCAGTGTTGCCATGGACATCCGCAAGATTTG[G>T]ATCAGCACCATGTTCTAGCAGAATAGTTGCACATTTCTCTTCCTGGCATTGTACAGCCTG-3'
Protein context (NP_055730.2, residues 129-149): ATILLEHGAD[Pro139Thr]NLADVHGNTA